The following is an entry in ClinVar:

ClinVar aggregate classification (germline): Uncertain significance. Review status: reviewed by expert panel (3 of 4 stars). 3 submissions from 3 submitters: Uncertain significance (1). 2 of the submissions do not count toward it. Last evaluated 2025-01-15.

Conditions:
Inborn genetic diseases. Identifiers: MedGen C0950123, MeSH D030342.
Hereditary thrombocytopenia and hematologic cancer predisposition syndrome. Identifiers: Orphanet 71290, MedGen CN281654, MONDO:0011071.
Hereditary thrombocytopenia and hematological cancer predisposition syndrome associated with RUNX1. Also called: Familial Platelet Disorder with Propensity to Acute Myelogenous Leukemia; Familial thrombocytopenia with propensity to acute myelogenous leukemia; RUNX1 Familial Platelet Disorder with Associated Myeloid Malignancies; PLATELET DISORDER, ASPIRIN-LIKE. Identifiers: Orphanet 71290, MedGen C1832388, MeSH C563324, MONDO:0100083, OMIM 601399.

Allele frequency attached by ClinVar (database versions not stated): gnomAD exomes below 0.00001 and 0.00001; ExAC 0.00001.
gnomAD v4.1: 3 of 1,614,176 alleles (0.00019%); highest among the groups gnomAD compares: Non-Finnish European, 0.00025%; no homozygotes.

Submissions (3):

ClinGen Myeloid Malignancy Variant Curation Expert Panel
Classification: Uncertain significance for Hereditary thrombocytopenia and hematologic cancer predisposition syndrome. Last evaluated: 2025-01-15. Review status: reviewed by expert panel. Criteria: ClinGen MyeloMalig ACMG Specifications v2. Collection method: curation. Allele origin: germline. Inheritance: Autosomal dominant inheritance.
Comment: NM_001754.5(RUNX1):c.883T>C (p.Ser295Pro) is a missense variant that has a REVEL score < 0.50 (0.184) and a SpliceAI score ≤ 0.20 (0.02) (BP4). In summary, the clinical significance of this variant is uncertain. ACMG/AMP criteria applied, as specified by the Myeloid Malignancy Variant Curation Expert Panel for RUNX1: BP4.

Ambry Genetics
Classification: Uncertain significance for Inborn genetic diseases. Last evaluated: 2025-01-15. Review status: criteria provided, single submitter. Criteria: Ambry Variant Classification Scheme 2023. Collection method: clinical testing. Allele origin: germline. Not counted in ClinVar's aggregate classification.
Comment: The p.S295P variant (also known as c.883T>C), located in coding exon 7 of the RUNX1 gene, results from a T to C substitution at nucleotide position 883. The serine at codon 295 is replaced by proline, an amino acid with similar properties. This amino acid position is well conserved in available vertebrate species. In addition, this alteration is predicted to be tolerated by in silico analysis. Based on the available evidence, the clinical significance of this variant remains unclear.

Labcorp Genetics (formerly Invitae), Labcorp
Classification: Uncertain significance for Hereditary thrombocytopenia and hematological cancer predisposition syndrome associated with RUNX1. Last evaluated: 2021-08-23. Review status: criteria provided, single submitter. Criteria: Invitae Variant Classification Sherloc (09022015). Collection method: clinical testing. Allele origin: germline. Not counted in ClinVar's aggregate classification.
Comment: This sequence change replaces serine with proline at codon 295 of the RUNX1 protein (p.Ser295Pro). The serine residue is moderately conserved and there is a moderate physicochemical difference between serine and proline. This variant is present in population databases (rs780399121, ExAC 0.001%). This variant has not been reported in the literature in individuals affected with RUNX1-related conditions. Algorithms developed to predict the effect of missense changes on protein structure and function (SIFT, PolyPhen-2, Align-GVGD) all suggest that this variant is likely to be tolerated. In summary, the available evidence is currently insufficient to determine the role of this variant in disease. Therefore, it has been classified as a Variant of Uncertain Significance.

NM_001754.5(RUNX1):c.883T>C (p.Ser295Pro)

Gene: RUNX1 (RUNX family transcription factor 1; minus strand). Cytogenetic location: 21q22.12.
Variant type: single nucleotide variant.
Coding change: c.883T>C on transcript NM_001754.5 (MANE Select); coding-DNA position 883, T replaced by C.
Protein change: p.Ser295Pro; replaces serine 295 with proline.
Molecular consequence: missense variant.
Genome position (GRCh38, 1-based): chr21:34,799,385, A>G on the plus strand (T>C on the coding strand, the complement: RUNX1 is on the minus strand). VCF-style: chr21-34799385-A-G. GRCh37 (hg19) VCF-style: chr21-36171682-A-G.
Other names: NM_001754.5(RUNX1):c.883T>C; p.Ser295Pro; c.802T>C, p.Ser268Pro (NM_001001890.3); c.883T>C (NM_001754.4); short protein forms S268P, S295P.
Identifiers: ClinVar variation 1412137 (VCV001412137.8), dbSNP rs780399121, ClinGen allele CA10014275.